The following is an entry in ClinVar:

NM_000257.4(MYH7):c.3942C>A (p.Asp1314Glu)

Gene: MYH7 (myosin heavy chain 7; minus strand). Cytogenetic location: 14q11.2.
Variant type: single nucleotide variant.
Coding change: c.3942C>A on transcript NM_000257.4 (MANE Select); coding-DNA position 3942, C replaced by A.
Protein change: p.Asp1314Glu; replaces aspartic acid 1314 with glutamic acid.
Molecular consequence: missense variant.
Genome position (GRCh38, 1-based): chr14:23,419,207, G>T on the plus strand (C>A on the coding strand, the complement: MYH7 is on the minus strand). VCF-style: chr14-23419207-G-T. GRCh37 (hg19) VCF-style: chr14-23888416-G-T.
Other names: short protein forms D1314E.
Identifiers: ClinVar variation 858382 (VCV000858382.18), dbSNP rs921429381, ClinGen allele CA257814606.
Genomic context (GRCh38, chr14:23,419,207, plus strand): 5'-TGGGCCAGGTGGCCCGAGTCTAGCCCTTACCTTAACCTCCTCCTCCAGCTGCCTCTTGAG[G>T]TCCTCCAGCTGCTGGGTGTAGGTGAGCTTGCCTCGGGTCAGCTGGGAGATCAGTGCCTCC-3'
Protein context (NP_000248.2, residues 1304-1324): GKLTYTQQLE[Asp1314Glu]LKRQLEEEVK

ClinVar aggregate classification (germline): Conflicting classifications of pathogenicity. Review status: criteria provided, conflicting classifications (1 of 4 stars). 5 submissions from 5 submitters: Uncertain significance (4); Likely benign (1). Last evaluated 2025-09-16.

Conditions:
Cardiovascular phenotype. Identifiers: MedGen CN230736.
Cardiomyopathy (CMYO). Also called: Cardiomyopathies. Identifiers: Orphanet 167848, MedGen C0878544, MONDO:0004994, HP:0001638. Inheritance: Various modes of inheritance.
Hypertrophic cardiomyopathy. Also called: HYPERTROPHIC MYOCARDIOPATHY. Identifiers: Orphanet 217569, MedGen C0007194, MeSH D002312, MONDO:0005045, HP:0001639.

Submissions (5):

Ambry Genetics
Classification: Likely benign for Cardiovascular phenotype. Last evaluated: 2025-09-16. Review status: criteria provided, single submitter. Criteria: Ambry Variant Classification Scheme 2023. Collection method: clinical testing. Allele origin: germline.

Color Diagnostics, LLC DBA Color Health
Classification: Uncertain significance for Cardiomyopathy. Last evaluated: 2025-07-25. Review status: criteria provided, single submitter. Criteria: ACMG Guidelines, 2015. Collection method: clinical testing. Allele origin: germline.
Comment: This missense variant replaces aspartic acid with glutamic acid at codon 1314 of the MYH7 protein. Computational prediction suggests that this variant may not impact protein structure and function. To our knowledge, functional studies have not been reported for this variant. This variant has not been reported in individuals affected with MYH7-related disorders in the literature. This variant has not been identified in the general population by the Genome Aggregation Database (gnomAD). The available evidence is insufficient to determine the role of this variant in disease conclusively. Therefore, this variant is classified as a Variant of Uncertain Significance.

Labcorp Genetics (formerly Invitae), Labcorp
Classification: Uncertain significance for Hypertrophic cardiomyopathy. Last evaluated: 2024-01-30. Review status: criteria provided, single submitter. Criteria: Invitae Variant Classification Sherloc (09022015). Collection method: clinical testing. Allele origin: germline.
Comment: This sequence change replaces aspartic acid, which is acidic and polar, with glutamic acid, which is acidic and polar, at codon 1314 of the MYH7 protein (p.Asp1314Glu). This variant is not present in population databases (gnomAD no frequency). This variant has not been reported in the literature in individuals affected with MYH7-related conditions. ClinVar contains an entry for this variant (Variation ID: 858382). Advanced modeling of protein sequence and biophysical properties (such as structural, functional, and spatial information, amino acid conservation, physicochemical variation, residue mobility, and thermodynamic stability) performed at Invitae indicates that this missense variant is not expected to disrupt MYH7 protein function with a negative predictive value of 95%. In summary, the available evidence is currently insufficient to determine the role of this variant in disease. Therefore, it has been classified as a Variant of Uncertain Significance.

All of Us Research Program, National Institutes of Health
Classification: Uncertain significance for Cardiomyopathy. Last evaluated: 2023-09-04. Review status: criteria provided, single submitter. Criteria: ACMG Guidelines, 2015. Collection method: clinical testing. Allele origin: germline. Inheritance: Autosomal dominant inheritance. Observed: 1 variant allele, 1 heterozygote.
Comment: This missense variant replaces aspartic acid with glutamic acid at codon 1314 of the MYH7 protein. Computational prediction suggests that this variant may not impact protein structure and function (internally defined REVEL score threshold <= 0.5, PMID: 27666373). To our knowledge, functional studies have not been reported for this variant. This variant has not been reported in individuals affected with cardiovascular disorders in the literature. This variant has not been identified in the general population by the Genome Aggregation Database (gnomAD). The available evidence is insufficient to determine the role of this variant in disease conclusively. Therefore, this variant is classified as a Variant of Uncertain Significance.

This study involves interpretation of variants in research participants for the purpose of population health screening. Participant phenotype was not available at the time of variant classification. Additional details can be found in publication PMID: 35346344, PMCID: PMC8962531

GeneDx
Classification: Uncertain significance. Last evaluated: 2021-03-04. Review status: criteria provided, single submitter. Criteria: GeneDx Variant Classification Process June 2021. Collection method: clinical testing. Allele origin: germline. Affected: yes.
Comment: Has not been previously published as pathogenic or benign to our knowledge; Reported in ClinVar as a variant of uncertain significance (ClinVar Variant ID# 858382; Landrum et al., 2016); Not observed at significant frequency in large population cohorts (Lek et al., 2016); In silico analysis supports that this missense variant does not alter protein structure/function; This variant is associated with the following publications: (PMID: 27535533)

Literature cited by the submitters: PubMed 30871747 (cited by Ambry Genetics).